The following is an entry in ClinVar:

ClinVar aggregate classification (germline): Uncertain significance (1 of 4 stars; one submission).

Submission:

Labcorp Genetics (formerly Invitae), Labcorp
Classification: Uncertain significance. Last evaluated: 2023-12-11. Review status: criteria provided, single submitter. Criteria: Invitae Variant Classification Sherloc (09022015). Collection method: clinical testing. Allele origin: germline.
Comment: This sequence change replaces methionine, which is neutral and non-polar, with leucine, which is neutral and non-polar, at codon 133 of the AVPR2 protein (p.Met133Leu). This variant is not present in population databases (gnomAD no frequency). This variant has not been reported in the literature in individuals affected with AVPR2-related conditions. Advanced modeling of protein sequence and biophysical properties (such as structural, functional, and spatial information, amino acid conservation, physicochemical variation, residue mobility, and thermodynamic stability) performed at Invitae indicates that this missense variant is not expected to disrupt AVPR2 protein function with a negative predictive value of 80%. In summary, the available evidence is currently insufficient to determine the role of this variant in disease. Therefore, it has been classified as a Variant of Uncertain Significance.

NM_000054.7(AVPR2):c.397A>C (p.Met133Leu)

Gene: AVPR2 (arginine vasopressin receptor 2; plus strand). Cytogenetic location: Xq28.
Variant type: single nucleotide variant.
Coding change: c.397A>C on transcript NM_000054.7 (MANE Select); coding-DNA position 397, A replaced by C.
Protein change: p.Met133Leu; replaces methionine 133 with leucine.
Molecular consequence: missense variant.
Genome position (GRCh38, 1-based): chrX:153,905,903, A>C. VCF-style: chrX-153905903-A-C. GRCh37 (hg19) VCF-style: chrX-153171357-A-C.
Other names: c.397A>C, p.Met133Leu (NM_001146151.3); short protein forms M133L.
Identifiers: ClinVar variation 2996060 (VCV002996060.3), dbSNP rs2521154235, ClinGen allele CA415105641.
Genomic context (GRCh38, chrX:153,905,903, plus strand): 5'-CGGGCCGTGAAGTATCTGCAGATGGTGGGCATGTATGCCTCCTCCTACATGATCCTGGCC[A>C]TGACGCTGGACCGCCACCGTGCCATCTGCCGTCCCATGCTGGCGTACCGCCATGGAAGTG-3'
Protein context (NP_000045.1, residues 123-143): MYASSYMILA[Met133Leu]TLDRHRAICR